The following is an entry in ClinVar:

ClinVar aggregate classification (germline): Uncertain significance (1 of 4 stars; one submission).

Conditions:
Ehlers-Danlos syndrome, classic type, 1 (EDSCL1). Also called: Ehlers-Danlos Syndrome, Classic Type, COL5A1-Related; EHLERS-DANLOS SYNDROME, GRAVIS TYPE; EHLERS-DANLOS SYNDROME, SEVERE CLASSIC TYPE; Ehlers-Danlos syndrome, type 1; EDS I. Identifiers: MedGen C0268335, MONDO:0019567, OMIM 130000.

Submission:

Labcorp Genetics (formerly Invitae), Labcorp
Classification: Uncertain significance for Ehlers-Danlos syndrome, classic type, 1. Last evaluated: 2022-04-23. Review status: criteria provided, single submitter. Criteria: Invitae Variant Classification Sherloc (09022015). Collection method: clinical testing. Allele origin: germline.
Comment: In summary, the available evidence is currently insufficient to determine the role of this variant in disease. Therefore, it has been classified as a Variant of Uncertain Significance. Studies have shown that this missense change alters COL5A2 gene expression (PMID: 22696272). Advanced modeling of protein sequence and biophysical properties (such as structural, functional, and spatial information, amino acid conservation, physicochemical variation, residue mobility, and thermodynamic stability) performed at Invitae indicates that this missense variant is expected to disrupt COL5A2 protein function. This missense change has been observed in individual(s) with clinical features of COL5A2-related conditions (PMID: 22696272). This variant is not present in population databases (gnomAD no frequency). This sequence change replaces glycine, which is neutral and non-polar, with arginine, which is basic and polar, at codon 1209 of the COL5A2 protein (p.Gly1209Arg).

Literature cited by the submitters: PubMed 22696272.

NM_000393.5(COL5A2):c.3625G>C (p.Gly1209Arg)

Gene: COL5A2 (collagen type V alpha 2 chain; minus strand). Cytogenetic location: 2q32.2.
Variant type: single nucleotide variant.
Coding change: c.3625G>C on transcript NM_000393.5 (MANE Select); coding-DNA position 3625, G replaced by C.
Protein change: p.Gly1209Arg; replaces glycine 1209 with arginine.
Molecular consequence: missense variant.
Genome position (GRCh38, 1-based): chr2:189,041,594, C>G on the plus strand (G>C on the coding strand, the complement: COL5A2 is on the minus strand). VCF-style: chr2-189041594-C-G. GRCh37 (hg19) VCF-style: chr2-189906320-C-G.
Other names: short protein forms G1209R.
Identifiers: ClinVar variation 2129790 (VCV002129790.4), dbSNP rs2469227459, ClinGen allele CA349859499.